The following is an entry in ClinVar:

ClinVar aggregate classification (germline): Uncertain significance. Review status: criteria provided, multiple submitters, no conflicts (2 of 4 stars). 2 submissions from 2 submitters: Uncertain significance (2). Last evaluated 2024-11-26.

Conditions:
Inborn genetic diseases. Identifiers: MedGen C0950123, MeSH D030342.
Aortic valve disease 2 (AOVD2). Identifiers: MedGen C3542024, MONDO:0013902, OMIM 614823.

Submissions (2):

Labcorp Genetics (formerly Invitae), Labcorp
Classification: Uncertain significance for Aortic valve disease 2. Last evaluated: 2024-11-26. Review status: criteria provided, single submitter. Criteria: Invitae Variant Classification Sherloc (09022015). Collection method: clinical testing. Allele origin: germline.
Comment: This sequence change replaces aspartic acid, which is acidic and polar, with glutamic acid, which is acidic and polar, at codon 143 of the SMAD6 protein (p.Asp143Glu). This variant is not present in population databases (gnomAD no frequency). This variant has not been reported in the literature in individuals affected with SMAD6-related conditions. ClinVar contains an entry for this variant (Variation ID: 1739493). Invitae Evidence Modeling of protein sequence and biophysical properties (such as structural, functional, and spatial information, amino acid conservation, physicochemical variation, residue mobility, and thermodynamic stability) indicates that this missense variant is not expected to disrupt SMAD6 protein function with a negative predictive value of 80%. In summary, the available evidence is currently insufficient to determine the role of this variant in disease. Therefore, it has been classified as a Variant of Uncertain Significance.

Ambry Genetics
Classification: Uncertain significance for Inborn genetic diseases. Last evaluated: 2024-10-22. Review status: criteria provided, single submitter. Criteria: Ambry Variant Classification Scheme 2023. Collection method: clinical testing. Allele origin: germline.
Comment: The p.D143E variant (also known as c.429C>A), located in coding exon 1 of the SMAD6 gene, results from a C to A substitution at nucleotide position 429. The aspartic acid at codon 143 is replaced by glutamic acid, an amino acid with highly similar properties. This amino acid position is conserved. In addition, this alteration is predicted to be tolerated by in silico analysis. Since supporting evidence is limited at this time, the clinical significance of this alteration remains unclear.

NM_005585.5(SMAD6):c.429C>A (p.Asp143Glu)

Gene: SMAD6 (SMAD family member 6; plus strand). Cytogenetic location: 15q22.31.
Variant type: single nucleotide variant.
Coding change: c.429C>A on transcript NM_005585.5 (MANE Select); coding-DNA position 429, C replaced by A.
Protein change: p.Asp143Glu; replaces aspartic acid 143 with glutamic acid.
Molecular consequence: missense variant. On other transcripts: non-coding transcript variant (1).
Genome position (GRCh38, 1-based): chr15:66,703,687, C>A. VCF-style: chr15-66703687-C-A. GRCh37 (hg19) VCF-style: chr15-66996025-C-A.
Other names: short protein forms D143E.
Identifiers: ClinVar variation 1739493 (VCV001739493.5), dbSNP rs1234383159, ClinGen allele CA392949539.